The following is an entry in ClinVar:

NM_001397406.1(FDX2):c.307+5G>A

Genes: FDX2 (ferredoxin 2; minus strand), FDX2-ZGLP1 (FDX2-ZGLP1 readthrough; minus strand). Cytogenetic location: 19p13.2.
Variant type: single nucleotide variant.
Coding change: c.307+5G>A on transcript NM_001397406.1 (MANE Select); 5 bases into the intron after coding-DNA position 307, G replaced by A.
Molecular consequence: intron variant.
Genome position (GRCh38, 1-based): chr19:10,315,381, C>T on the plus strand (G>A on the coding strand, the complement: FDX2 is on the minus strand). VCF-style: chr19-10315381-C-T. GRCh37 (hg19) VCF-style: chr19-10426057-C-T.
Identifiers: ClinVar variation 2135418 (VCV002135418.3), dbSNP rs768714389, ClinGen allele CA9191254.

ClinVar aggregate classification (germline): Uncertain significance (1 of 4 stars; one submission).

Allele frequency attached by ClinVar (database versions not stated): ExAC 0.00001; gnomAD exomes 0.00001.

Submission:

Labcorp Genetics (formerly Invitae), Labcorp
Classification: Uncertain significance. Last evaluated: 2022-02-03. Review status: criteria provided, single submitter. Criteria: Invitae Variant Classification Sherloc (09022015). Collection method: clinical testing. Allele origin: germline.
Comment: The frequency data for this variant in the population databases is considered unreliable, as metrics indicate poor data quality at this position in the gnomAD database. In summary, the available evidence is currently insufficient to determine the role of this variant in disease. Therefore, it has been classified as a Variant of Uncertain Significance. Variants that disrupt the consensus splice site are a relatively common cause of aberrant splicing (PMID: 17576681, 9536098). Algorithms developed to predict the effect of sequence changes on RNA splicing suggest that this variant may disrupt the consensus splice site. This variant has not been reported in the literature in individuals affected with FDX2-related conditions. This sequence change falls in intron 3 of the FDX2 gene. It does not directly change the encoded amino acid sequence of the FDX2 protein. It affects a nucleotide within the consensus splice site.

Literature cited by the submitters: PubMed 17576681; PubMed 9536098.